The following is an entry in ClinVar:

NM_004727.3(SLC24A1):c.1890+6G>A

Gene: SLC24A1 (solute carrier family 24 member 1; plus strand). Cytogenetic location: 15q22.31.
Variant type: single nucleotide variant.
Coding change: c.1890+6G>A on transcript NM_004727.3 (MANE Select); 6 bases into the intron after coding-DNA position 1890, G replaced by A.
Molecular consequence: intron variant.
Genome position (GRCh38, 1-based): chr15:65,625,976, G>A. VCF-style: chr15-65625976-G-A. GRCh37 (hg19) VCF-style: chr15-65918314-G-A.
Other names: c.1890+6G>A (NM_001301033.2, NM_001301031.1, NM_001301032.1).
Identifiers: ClinVar variation 887708 (VCV000887708.9), dbSNP rs375850066, ClinGen allele CA7619989.

ClinVar aggregate classification (germline): Conflicting classifications of pathogenicity. Review status: criteria provided, conflicting classifications (1 of 4 stars). 4 submissions from 4 submitters: Uncertain significance (2); Likely benign (2). Last evaluated 2025-06-25.

Conditions:
SLC24A1-related disorder. Also called: SLC24A1-related condition.
Congenital stationary night blindness 1D. Also called: Night blindness, congenital stationary (complete), 1D, autosomal recessive. Identifiers: Orphanet 215, MedGen C3151193, MONDO:0013450, OMIM 613830.

Allele frequency attached by ClinVar (database versions not stated): TOPMed 0.00009; gnomAD exomes 0.00010 and 0.00006; ESP Exome Variant Server 0.00016; ExAC 0.00005; gnomAD 0.00007 and 0.00008.
gnomAD v4.1: 160 of 1,606,866 alleles (0.01%); highest among the groups gnomAD compares: Middle Eastern, 0.017%; no homozygotes.

Submissions (4):

PreventionGenetics, part of Exact Sciences
Classification: Likely benign for SLC24A1-related condition. Last evaluated: 2025-06-25. Review status: criteria provided, single submitter. Criteria: ACMG Guidelines, 2015. Collection method: clinical testing. Allele origin: germline.
Comment: This variant is classified as likely benign based on ACMG/AMP sequence variant interpretation guidelines (Richards et al. 2015 PMID: 25741868, with internal and published modifications).

Labcorp Genetics (formerly Invitae), Labcorp
Classification: Uncertain significance. Last evaluated: 2024-12-15. Review status: criteria provided, single submitter. Criteria: Invitae Variant Classification Sherloc (09022015). Collection method: clinical testing. Allele origin: germline.
Comment: This sequence change falls in intron 2 of the SLC24A1 gene. It does not directly change the encoded amino acid sequence of the SLC24A1 protein. It affects a nucleotide within the consensus splice site. This variant is present in population databases (rs375850066, gnomAD 0.01%). This variant has not been reported in the literature in individuals affected with SLC24A1-related conditions. ClinVar contains an entry for this variant (Variation ID: 887708). Variants that disrupt the consensus splice site are a relatively common cause of aberrant splicing (PMID: 17576681, 9536098). Algorithms developed to predict the effect of sequence changes on RNA splicing suggest that this variant is not likely to affect RNA splicing. In summary, the available evidence is currently insufficient to determine the role of this variant in disease. Therefore, it has been classified as a Variant of Uncertain Significance.

Blueprint Genetics
Classification: Likely benign. Last evaluated: 2024-11-26. Review status: criteria provided, single submitter. Criteria: ACMG Guidelines, 2015. Collection method: clinical testing. Allele origin: germline.

Illumina Laboratory Services, Illumina
Classification: Uncertain significance for Congenital stationary night blindness 1D. Last evaluated: 2018-01-13. Review status: criteria provided, single submitter. Criteria: ICSL Variant Classification Criteria 13 December 2019. Collection method: clinical testing. Allele origin: germline.

Literature cited by the submitters: PubMed 17576681 (cited by Labcorp Genetics (formerly Invitae), Labcorp); PubMed 9536098 (cited by Labcorp Genetics (formerly Invitae), Labcorp).